The following is an entry in ClinVar:

NM_000091.5(COL4A3):c.4280G>A (p.Gly1427Asp)

Genes: COL4A3 (collagen type IV alpha 3 chain; plus strand), MFF-DT (MFF divergent transcript; minus strand). Cytogenetic location: 2q36.3.
Variant type: single nucleotide variant.
Coding change: c.4280G>A on transcript NM_000091.5 (MANE Select); coding-DNA position 4280, G replaced by A.
Protein change: p.Gly1427Asp; replaces glycine 1427 with aspartic acid.
Molecular consequence: missense variant.
Genome position (GRCh38, 1-based): chr2:227,307,737, G>A. VCF-style: chr2-227307737-G-A. GRCh37 (hg19) VCF-style: chr2-228172453-G-A.
Other names: p.Gly1427Asp; short protein forms G1427D.
Identifiers: ClinVar variation 4817263 (VCV004817263.2).
Genomic context (GRCh38, chr2:227,307,737, plus strand): 5'-TATGTTGCAACATTTAGAATGTGTTTTTTGAAGGACCAGCTGGATCAGATGGATTGCCAG[G>A]TTTGAAAGGAAAACGTGGAGACAGTGGATCACCTGCAACCTGGACAACGAGAGGCTTTGT-3'
Protein context (NP_000082.2, residues 1417-1437): PGPAGSDGLP[Gly1427Asp]LKGKRGDSGS

ClinVar aggregate classification (germline): Likely pathogenic. Review status: criteria provided, multiple submitters, no conflicts (2 of 4 stars). 2 submissions from 2 submitters: Likely pathogenic (2). Last evaluated 2026-03-18.

Conditions:
Autosomal dominant Alport syndrome (ATS3A). Also called: ALPORT SYNDROME 3A, AUTOSOMAL DOMINANT; Alport syndrome dominant type; Renal failure and sensorineural hearing loss. Identifiers: Orphanet 63, Orphanet 88918, MedGen C5882663, MONDO:0007086, OMIM 104200.
Alport syndrome. Also called: Hemorrhagic familial nephritis; Hemorrhagic hereditary nephritis; Congenital hereditary hematuria. Identifiers: Orphanet 63, MedGen C1567741, MONDO:0018965.

Submissions (2):

Centre de Génétique Humaine, Institut de Pathologie Et de Génétique
Classification: Likely pathogenic for Autosomal dominant Alport syndrome. Last evaluated: 2026-03-18. Review status: criteria provided, single submitter. Criteria: ACMG Guidelines, 2015. Collection method: clinical testing. Allele origin: germline. Inheritance: Autosomal dominant inheritance. Affected: yes. Observed: 1 variant allele, 1 heterozygote. Segregation with disease observed.
Comment: This missense variant involves a highly conserved glycine located in a ‘Gly-X-Y’ motif in collagenous region, which is characteristic of the pathogenic variants identified in the COL4A3 gene (PM1,PP2). This variant is rare: absent in gnomAD v4.1.0 database (PM2); In silico analysis supports that this missense variant has a deleterious effect (PP3). (PP5)

Natera, Inc.
Classification: Likely pathogenic for Alport syndrome. Last evaluated: 2025-09-10. Review status: criteria provided, single submitter. Criteria: Natera Variant Classification Schema (03/2026). Collection method: clinical testing. Allele origin: germline.
Comment: The c.4280G>A variant in COL4A3 is a missense variant predicted to cause substitution of glycine to aspartic acid at amino acid 1427. This variant is rare in the general population with a frequency below the threshold expected for the associated phenotype(s). This variant is located in a functionally critical region of the protein. A different variant at the same position has been determined to be Pathogenic or Likely Pathogenic. Computational prediction algorithms indicate this variant is likely to affect gene or protein function. Given the available evidence, this variant is classified as Likely Pathogenic.

Literature cited by the submitters: PubMed 26809805 (cited by Centre de Génétique Humaine, Institut de Pathologie Et de Génétique); PubMed 41851263 (cited by Centre de Génétique Humaine, Institut de Pathologie Et de Génétique).